The following is an entry in ClinVar:

NM_004186.5(SEMA3F):c.880G>A (p.Ala294Thr)

Gene: SEMA3F (semaphorin 3F; plus strand). Cytogenetic location: 3p21.31.
Variant type: single nucleotide variant.
Coding change: c.880G>A on transcript NM_004186.5 (MANE Select); coding-DNA position 880, G replaced by A.
Protein change: p.Ala294Thr; replaces alanine 294 with threonine.
Molecular consequence: missense variant.
Genome position (GRCh38, 1-based): chr3:50,182,760, G>A. VCF-style: chr3-50182760-G-A. GRCh37 (hg19) VCF-style: chr3-50220193-G-A.
Other names: c.583G>A, p.Ala195Thr (NM_001318798.2); c.787G>A, p.Ala263Thr (NM_001318800.2); short protein forms A195T, A263T, A294T.
Identifiers: ClinVar variation 3358047 (VCV003358047.2).

ClinVar aggregate classification (germline): Uncertain significance (1 of 4 stars; one submission).

Conditions:
SEMA3F-related disorder. Also called: SEMA3F-related condition.

gnomAD v4.1: 30 of 1,612,994 alleles (0.0019%); highest among the groups gnomAD compares: African/African-American, 0.019%; no homozygotes.

Submission:

PreventionGenetics, part of Exact Sciences
Classification: Uncertain significance for SEMA3F-related condition. Last evaluated: 2025-10-28. Review status: criteria provided, single submitter. Criteria: ACMG Guidelines, 2015. Collection method: clinical testing. Allele origin: germline.
Comment: The SEMA3F c.880G>A variant is predicted to result in the amino acid substitution p.Ala294Thr. To our knowledge, this variant has not been reported in the literature. This variant is reported in 0.024% of alleles in individuals of African descent in gnomAD. At this time, the clinical significance of this variant is uncertain due to the absence of conclusive functional and genetic evidence.